The following is an entry in ClinVar:

NM_006218.4(PIK3CA):c.589A>G (p.Ile197Val)

Gene: PIK3CA (phosphatidylinositol-4,5-bisphosphate 3-kinase catalytic subunit alpha; plus strand). Cytogenetic location: 3q26.32.
Variant type: single nucleotide variant.
Coding change: c.589A>G on transcript NM_006218.4 (MANE Select); coding-DNA position 589, A replaced by G.
Protein change: p.Ile197Val; replaces isoleucine 197 with valine.
Molecular consequence: missense variant.
Genome position (GRCh38, 1-based): chr3:179,201,316, A>G. VCF-style: chr3-179201316-A-G. GRCh37 (hg19) VCF-style: chr3-178919104-A-G.
Other names: short protein forms I197V.
Identifiers: ClinVar variation 3765998 (VCV003765998.1).

ClinVar aggregate classification (germline): Uncertain significance (1 of 4 stars; one submission).

gnomAD v4.1: 2 of 1,612,740 alleles (0.00012%); highest among the groups gnomAD compares: South Asian, 0.0011%; no homozygotes.

Submission:

GeneDx
Classification: Uncertain significance. Last evaluated: 2024-08-30. Review status: criteria provided, single submitter. Criteria: GeneDx Variant Classification Process June 2021. Collection method: clinical testing. Allele origin: germline. Affected: yes.
Comment: Not observed at significant frequency in large population cohorts (gnomAD); In silico analysis indicates that this missense variant does not alter protein structure/function; Has not been previously published as pathogenic or benign to our knowledge